The following is an entry in ClinVar:

NM_001164508.2(NEB):c.4899_4903del (p.Val1634fs)

Gene: NEB (nebulin; minus strand). Cytogenetic location: 2q23.3.
Variant type: Deletion.
Coding change: c.4899_4903del on transcript NM_001164508.2 (MANE Select); coding-DNA positions 4899 to 4903, 5 bases deleted (TGTGA; older notation c.4899_4903delTGTGA).
Protein change: p.Val1634fs; shifts the reading frame from valine 1634.
Molecular consequence: frameshift variant.
Genome position (GRCh38, 1-based): chr2:151,666,218-151,666,222, TCACA deleted on the plus strand (TGTGA on the coding strand, the reverse complement: NEB is on the minus strand). VCF-style (leftmost placement, unchanged base first): chr2-151666217-GTCACA-G. GRCh37 (hg19) VCF-style: chr2-152522731-GTCACA-G.
Other names: c.4899_4903del, p.Val1634fs (NM_001164507.2, NM_001271208.2, NM_004543.5); short protein forms V1634fs.
Identifiers: ClinVar variation 1726439 (VCV001726439.2), dbSNP rs2552258233, ClinGen allele CA2580064093.

ClinVar aggregate classification (germline): Likely pathogenic (1 of 4 stars; one submission).

Conditions:
Nemaline myopathy 2 (NEM2). Also called: Nemaline myopathy 2, autosomal recessive. Identifiers: MedGen C1850569, MONDO:0009725, OMIM 256030.

Submission:

Myriad Genetics, Inc.
Classification: Likely pathogenic for Nemaline myopathy 2. Last evaluated: 2021-12-17. Review status: criteria provided, single submitter. Criteria: Myriad Women's Health Autosomal Recessive and X-Linked Classification Criteria (2021). Collection method: clinical testing. Allele origin: unknown.
Comment: NM_001271208.1(NEB):c.4899_4903del5(V1634Sfs*42) is expected to be pathogenic in the context of NEB-related nemaline myopathy. This variant is predicted to lead to an abnormal or absent protein product due to the creation of a premature termination codon in NEB, a gene where loss-of-function variants are known to be pathogenic. Please note: this variant was assessed in the context of healthy population screening.